The following is an entry in ClinVar:

ClinVar aggregate classification (germline): Uncertain significance (1 of 4 stars; one submission).

gnomAD v4.1: 19 of 1,614,072 alleles (0.0012%); highest among the groups gnomAD compares: Non-Finnish European, 0.0016%; no homozygotes.

Submission:

Athena Diagnostics
Classification: Uncertain significance. Last evaluated: 2023-02-16. Review status: criteria provided, single submitter. Criteria: Athena Diagnostics Criteria. Collection method: clinical testing. Allele origin: unknown.
Comment: Available data are insufficient to determine the clinical significance of the variant at this time. The frequency of this variant in the general population is uninformative in assessment of its pathogenicity. Computational tools disagree on the variant's effect on normal protein function.

NM_182961.4(SYNE1):c.24249C>G (p.His8083Gln)

Gene: SYNE1 (spectrin repeat containing nuclear envelope protein 1; minus strand). Cytogenetic location: 6q25.2.
Variant type: single nucleotide variant.
Coding change: c.24249C>G on transcript NM_182961.4 (MANE Select); coding-DNA position 24249, C replaced by G.
Protein change: p.His8083Gln; replaces histidine 8083 with glutamine.
Molecular consequence: missense variant.
Genome position (GRCh38, 1-based): chr6:152,152,022, G>C on the plus strand (C>G on the coding strand, the complement: SYNE1 is on the minus strand). VCF-style: chr6-152152022-G-C. GRCh37 (hg19) VCF-style: chr6-152473157-G-C.
Other names: c.855C>G, p.His285Gln (NM_001347701.2); c.714C>G, p.His238Gln (NM_001347702.2); c.24036C>G, p.His8012Gln (NM_033071.5); short protein forms H238Q, H285Q, H8012Q, H8083Q.
Identifiers: ClinVar variation 2684050 (VCV002684050.1), dbSNP rs376312519, ClinGen allele CA4053233.